The following is an entry in ClinVar:

ClinVar aggregate classification (germline): Uncertain significance (1 of 4 stars; one submission).

Conditions:
Long QT syndrome (LQTS). Identifiers: MedGen C0023976, MeSH D008133, MONDO:0002442. Disease mechanism: loss of function. Inheritance: Various modes of inheritance.

Submission:

Labcorp Genetics (formerly Invitae), Labcorp
Classification: Uncertain significance for Long QT syndrome. Last evaluated: 2021-08-04. Review status: criteria provided, single submitter. Criteria: Invitae Variant Classification Sherloc (09022015). Collection method: clinical testing. Allele origin: germline.
Comment: Algorithms developed to predict the effect of missense changes on protein structure and function are either unavailable or do not agree on the potential impact of this missense change (SIFT: "Deleterious"; PolyPhen-2: "Possibly Damaging"; Align-GVGD: "Class C0"). In summary, the available evidence is currently insufficient to determine the role of this variant in disease. Therefore, it has been classified as a Variant of Uncertain Significance. This variant has not been reported in the literature in individuals affected with AKAP9-related conditions. This variant is not present in population databases (ExAC no frequency). This sequence change replaces threonine with isoleucine at codon 155 of the AKAP9 protein (p.Thr155Ile). The threonine residue is moderately conserved and there is a moderate physicochemical difference between threonine and isoleucine.

NM_005751.5(AKAP9):c.464C>T (p.Thr155Ile)

Gene: AKAP9 (A-kinase anchoring protein 9; plus strand). Cytogenetic location: 7q21.2.
Variant type: single nucleotide variant.
Coding change: c.464C>T on transcript NM_005751.5 (MANE Select); coding-DNA position 464, C replaced by T.
Protein change: p.Thr155Ile; replaces threonine 155 with isoleucine.
Molecular consequence: missense variant.
Genome position (GRCh38, 1-based): chr7:91,992,943, C>T. VCF-style: chr7-91992943-C-T. GRCh37 (hg19) VCF-style: chr7-91622257-C-T.
Other names: c.464C>T, p.Thr155Ile (NM_147185.3); short protein forms T155I.
Identifiers: ClinVar variation 1372530 (VCV001372530.6), dbSNP rs142632541, ClinGen allele CA368119455.